The following is an entry in ClinVar:

ClinVar aggregate classification (germline): Benign/Likely benign. Review status: criteria provided, multiple submitters, no conflicts (2 of 4 stars). 5 submissions from 5 submitters: Benign (1); Likely benign (2). 2 of the submissions do not count toward it. Last evaluated 2024-11-08.

Conditions:
Polycystic kidney disease, adult type (PKD1). Also called: Polycystic Kidney, Autosomal Dominant; POLYCYSTIC KIDNEY DISEASE, ADULT, TYPE I; Polycystic Kidney Disease 1, Autosomal Dominant; Polycystic kidney disease 1; Polycystic kidney disease 1, severe; POLYCYSTIC KIDNEY DISEASE 1 WITH OR WITHOUT POLYCYSTIC LIVER DISEASE. Identifiers: MedGen C3149841, MONDO:0008263, OMIM 173900.
PKD1-related disorder. Also called: PKD1-related condition.
Polycystic kidney disease. Also called: Kidney, Polycystic; Polycystic kidney dysplasia. Identifiers: MedGen C0022680, MeSH D007690, MONDO:0020642, HP:0000113.

Allele frequency attached by ClinVar (database versions not stated): TOPMed 0.00032; ESP Exome Variant Server 0.00039; 1000 Genomes Project 30x 0.00203; gnomAD exomes 0.00208 and 0.00477; 1000 Genomes Project 0.00260; ExAC 0.00387; gnomAD 0.00399 and 0.00411.
gnomAD v4.1: 3,624 of 1,604,210 alleles (0.23%); highest among the groups gnomAD compares: East Asian, 0.5%; 75 homozygotes.

Submissions (5):

Blueprint Genetics
Classification: Likely benign. Last evaluated: 2024-11-08. Review status: criteria provided, single submitter. Criteria: ACMG Guidelines, 2015. Collection method: clinical testing. Allele origin: germline.

CeGaT Center for Human Genetics Tuebingen
Classification: Benign. Last evaluated: 2022-03-01. Review status: criteria provided, single submitter. Criteria: CeGaT Center For Human Genetics Tuebingen Variant Classification Criteria Version 2. Collection method: clinical testing. Allele origin: germline. Affected: yes. Observed: 1 variant allele.
Comment: PKD1: BS1, BS2

Fulgent Genetics
Classification: Likely benign for Polycystic kidney disease, adult type. Last evaluated: 2021-10-21. Review status: criteria provided, single submitter. Criteria: ACMG Guidelines, 2015. Collection method: clinical testing. Allele origin: unknown.

PreventionGenetics, part of Exact Sciences
Classification: Likely benign for PKD1-related condition. Last evaluated: 2023-12-14. Review status: no assertion criteria provided. Collection method: clinical testing. Allele origin: germline. Not counted in ClinVar's aggregate classification.
Comment: This variant is classified as likely benign based on ACMG/AMP sequence variant interpretation guidelines (Richards et al. 2015 PMID: 25741868, with internal and published modifications).

Department of Pathology and Laboratory Medicine, Sinai Health System
Classification: Likely benign for Polycystic Kidney disease. Review status: no assertion criteria provided. Collection method: clinical testing. Allele origin: unknown. Affected: yes. Study: The Canadian Open Genetics Repository (COGR). Not counted in ClinVar's aggregate classification.
Comment: The PKD1 p.Leu3754= variant was identified in 2 of 138 proband chromosomes (frequency: 0.01) from Japanese individuals or families with ADPKD and was not identified in 100 control chromosomes from healthy individuals (Tsuchiya 2001). The variant was also identified in dbSNP (ID: rs139399947) as "NA" and the ADPKD Mutation Database (classified as likely neutral). The variant was not identified in the ClinVar, LOVD 3.0, or PKD1-LOVD databases. The variant was identified in control databases in 1415 of 271332 chromosomes (34 homozygous) at a frequency of 0.005, increasing the likelihood this could be a low frequency benign variant (Genome Aggregation Database Feb 27, 2017). The variant was observed in the following populations: Other in 48 of 6318 chromosomes (freq: 0.008), Latino in 1 of 34264 chromosomes (freq: 0.00003), European Non-Finnish in 119 of 123388 chromosomes (freq: 0.001), Ashkenazi Jewish in 47 of 10012 chromosomes (freq: 0.005), East Asian in 44 of 18738 chromosomes (freq: 0.002), European Finnish in 1151 of 24564 chromosomes (freq: 0.05), and South Asian in 5 of 30618 chromosomes (freq: 0.0002). This variant was determined not to alter splicing in a minigene assay, however this does not rule out pathogenicity due to a lower codon usage frequency for the variant codon (Gonzalez-Paredes 2014). The p.Leu3754= variant is not expected to have clinical significance because it does not result in a change of amino acid and is not located in a known consensus splice site. In addition, in silico or computational prediction software programs (SpliceSiteFinder, MaxEntScan, NNSPLICE, GeneSplicer) do not predict a difference in splicing. In summary, based on the above information, the clinical significance of this variant cannot be determined with certainty at this time although we would lean towards a more benign role for this variant. This variant is classified as likely benign.

NM_001009944.3(PKD1):c.11262G>C (p.Leu3754=)

Genes: PKD1 (polycystin 1, transient receptor potential channel interacting; minus strand), PKD1-AS1 (PKD1 antisense RNA 1; plus strand). Cytogenetic location: 16p13.3.
Variant type: single nucleotide variant.
Coding change: c.11262G>C on transcript NM_001009944.3 (MANE Select); coding-DNA position 11262, G replaced by C.
Protein change: p.Leu3754=; no amino-acid change (leucine 3754 retained).
Molecular consequence: synonymous variant.
Genome position (GRCh38, 1-based): chr16:2,092,487, C>G on the plus strand (G>C on the coding strand, the complement: PKD1 is on the minus strand). VCF-style: chr16-2092487-C-G. GRCh37 (hg19) VCF-style: chr16-2142488-C-G.
Other names: c.11259G>C, p.Leu3753= (NM_000296.4); c.11262G>C (NM_001009944.2).
Identifiers: ClinVar variation 997301 (VCV000997301.28), dbSNP rs139399947, ClinGen allele CA7829247.